The following is an entry in ClinVar:

NM_006343.3(MERTK):c.1366A>G (p.Thr456Ala)

Gene: MERTK (MER proto-oncogene, tyrosine kinase; plus strand). Cytogenetic location: 2q13.
Variant type: single nucleotide variant.
Coding change: c.1366A>G on transcript NM_006343.3 (MANE Select); coding-DNA position 1366, A replaced by G.
Protein change: p.Thr456Ala; replaces threonine 456 with alanine.
Molecular consequence: missense variant.
Genome position (GRCh38, 1-based): chr2:111,994,320, A>G. VCF-style: chr2-111994320-A-G. GRCh37 (hg19) VCF-style: chr2-112751897-A-G.
Other names: short protein forms T456A.
Identifiers: ClinVar variation 1411965 (VCV001411965.5), dbSNP rs1329166064, ClinGen allele CA348229971.

ClinVar aggregate classification (germline): Uncertain significance. Review status: criteria provided, multiple submitters, no conflicts (2 of 4 stars). 2 submissions from 2 submitters: Uncertain significance (2). Last evaluated 2023-02-28.

Allele frequency attached by ClinVar (database versions not stated): gnomAD exomes below 0.00001.
gnomAD v4.1: 1 of 1,614,136 alleles (0.000062%); highest among the groups gnomAD compares: Non-Finnish European, 0.000085%; no homozygotes.

Submissions (2):

Blueprint Genetics
Classification: Uncertain significance. Last evaluated: 2023-02-28. Review status: criteria provided, single submitter. Criteria: ACMG Guidelines, 2015. Collection method: clinical testing. Allele origin: germline.

Labcorp Genetics (formerly Invitae), Labcorp
Classification: Uncertain significance. Last evaluated: 2021-09-22. Review status: criteria provided, single submitter. Criteria: Invitae Variant Classification Sherloc (09022015). Collection method: clinical testing. Allele origin: germline.
Comment: In summary, the available evidence is currently insufficient to determine the role of this variant in disease. Therefore, it has been classified as a Variant of Uncertain Significance. Algorithms developed to predict the effect of missense changes on protein structure and function are either unavailable or do not agree on the potential impact of this missense change (SIFT: "Deleterious"; PolyPhen-2: "Benign"; Align-GVGD: "Class C55"). This variant has not been reported in the literature in individuals affected with MERTK-related conditions. This variant is not present in population databases (ExAC no frequency). This sequence change replaces threonine with alanine at codon 456 of the MERTK protein (p.Thr456Ala). The threonine residue is highly conserved and there is a small physicochemical difference between threonine and alanine.